The following is an entry in ClinVar:

NM_003079.5(SMARCE1):c.562A>T (p.Met188Leu)

Gene: SMARCE1 (SWI/SNF related BAF chromatin remodeling complex subunit E1; minus strand). Cytogenetic location: 17q21.2.
Variant type: single nucleotide variant.
Coding change: c.562A>T on transcript NM_003079.5 (MANE Select); coding-DNA position 562, A replaced by T.
Protein change: p.Met188Leu; replaces methionine 188 with leucine.
Molecular consequence: missense variant.
Genome position (GRCh38, 1-based): chr17:40,632,347, T>A on the plus strand (A>T on the coding strand, the complement: SMARCE1 is on the minus strand). VCF-style: chr17-40632347-T-A. GRCh37 (hg19) VCF-style: chr17-38788599-T-A.
Other names: short protein forms M188L.
Identifiers: ClinVar variation 2799615 (VCV002799615.4), dbSNP rs765003978, ClinGen allele CA399364888.

ClinVar aggregate classification (germline): Uncertain significance. Review status: criteria provided, multiple submitters, no conflicts (2 of 4 stars). 3 submissions from 3 submitters: Uncertain significance (3). Last evaluated 2025-09-19.

Conditions:
Familial meningioma. Also called: Meningioma, familial, susceptibility to. Identifiers: Orphanet 263662, MedGen C3551915, MONDO:0011789, OMIM 607174.
Hereditary cancer-predisposing syndrome. Also called: Hereditary Cancer Syndrome; Neoplastic Syndromes, Hereditary; Tumor predisposition; Hereditary neoplastic syndrome. Identifiers: Orphanet 140162, MedGen C0027672, MeSH D009386, MONDO:0015356.

Submissions (3):

Helix
Classification: Uncertain significance for Familial meningioma. Last evaluated: 2025-09-19. Review status: criteria provided, single submitter. Criteria: ACMG Guidelines, 2015. Collection method: clinical testing. Allele origin: germline. Inheritance: Autosomal dominant inheritance.
Comment: This variant (NM_003079.5:c.562A>T p.Met188Leu) results in the substitution of methionine with leucine at codon 188 in the SMARCE1 protein. It is a rare variant that is absent from the large gnomAD population database (v4.1). To our knowledge, this variant has not been reported in individuals with SMARCE1-related conditions in the published literature. In silico prediction from SpliceAI (PMID: 30661751) suggests this variant may have an impact on splicing. In silico prediction from REVEL (PMID: 27666373) suggests that this variant may be benign. This variant is present in ClinVar (Accession: VCV002799615.3). In conclusion, since the available evidence is limited, the clinical significance of this variant is unclear at this time. Therefore, it is classified as a Variant of Uncertain Significance.

Labcorp Genetics (formerly Invitae), Labcorp
Classification: Uncertain significance for Familial meningioma. Last evaluated: 2025-01-07. Review status: criteria provided, single submitter. Criteria: Invitae Variant Classification Sherloc (09022015). Collection method: clinical testing. Allele origin: germline.
Comment: This sequence change replaces methionine, which is neutral and non-polar, with leucine, which is neutral and non-polar, at codon 188 of the SMARCE1 protein (p.Met188Leu). This variant is not present in population databases (gnomAD no frequency). This variant has not been reported in the literature in individuals affected with SMARCE1-related conditions. ClinVar contains an entry for this variant (Variation ID: 2799615). Invitae Evidence Modeling of protein sequence and biophysical properties (such as structural, functional, and spatial information, amino acid conservation, physicochemical variation, residue mobility, and thermodynamic stability) indicates that this missense variant is not expected to disrupt SMARCE1 protein function with a negative predictive value of 80%. RNA analysis performed to evaluate the impact of this missense change on mRNA splicing indicates it does not significantly alter splicing (internal data). In summary, the available evidence is currently insufficient to determine the role of this variant in disease. Therefore, it has been classified as a Variant of Uncertain Significance.

Ambry Genetics
Classification: Uncertain significance for Hereditary cancer-predisposing syndrome. Last evaluated: 2024-09-08. Review status: criteria provided, single submitter. Criteria: Ambry Variant Classification Scheme 2023. Collection method: clinical testing. Allele origin: germline.
Comment: The p.M188L variant (also known as c.562A>T), located in coding exon 7 of the SMARCE1 gene, results from an A to T substitution at nucleotide position 562. The methionine at codon 188 is replaced by leucine, an amino acid with highly similar properties. This amino acid position is conserved. In addition, this alteration is predicted to be tolerated by in silico analysis. Based on the available evidence, the clinical significance of this variant remains unclear.